The following is an entry in ClinVar:

ClinVar aggregate classification (germline): Uncertain significance (1 of 4 stars; one submission).

gnomAD v4.1: 2 of 1,613,514 alleles (0.00012%); highest among the groups gnomAD compares: East Asian, 0.0022%; no homozygotes.

Submission:

GeneDx
Classification: Uncertain significance. Last evaluated: 2025-03-13. Review status: criteria provided, single submitter. Criteria: GeneDx Variant Classification Process June 2021. Collection method: clinical testing. Allele origin: germline. Affected: yes.
Comment: Not observed at significant frequency in large population cohorts (gnomAD); In silico analysis indicates that this missense variant does not alter protein structure/function; Has not been previously published as pathogenic or benign to our knowledge

NM_182961.4(SYNE1):c.4681C>T (p.Leu1561Phe)

Gene: SYNE1 (spectrin repeat containing nuclear envelope protein 1; minus strand). Cytogenetic location: 6q25.2.
Variant type: single nucleotide variant.
Coding change: c.4681C>T on transcript NM_182961.4 (MANE Select); coding-DNA position 4681, C replaced by T.
Protein change: p.Leu1561Phe; replaces leucine 1561 with phenylalanine.
Molecular consequence: missense variant.
Genome position (GRCh38, 1-based): chr6:152,430,490, G>A on the plus strand (C>T on the coding strand, the complement: SYNE1 is on the minus strand). VCF-style: chr6-152430490-G-A. GRCh37 (hg19) VCF-style: chr6-152751625-G-A.
Other names: c.4702C>T, p.Leu1568Phe (NM_033071.5); short protein forms L1561F, L1568F.
Identifiers: ClinVar variation 4083193 (VCV004083193.1).